The following is an entry in ClinVar:

ClinVar aggregate classification (germline): Uncertain significance (1 of 4 stars; one submission).

Conditions:
Combined immunodeficiency with skin granulomas. Identifiers: Orphanet 157949, MedGen C2673536, MONDO:0009306, OMIM 233650.
Severe combined immunodeficiency, autosomal recessive, T cell-negative, B cell-negative, NK cell-positive. Also called: SCID, T CELL-NEGATIVE, B CELL-NEGATIVE, NK CELL-POSITIVE; Severe combined immunodeficiency due to complete RAG1/2 deficiency; SCID, AR, T-cell negative, B-cell negative, NK cell-positive. Identifiers: Orphanet 331206, MedGen C1832322, MONDO:0011086, OMIM 601457.

Submission:

Labcorp Genetics (formerly Invitae), Labcorp
Classification: Uncertain significance for Combined immunodeficiency with skin granulomas; Severe combined immunodeficiency, autosomal recessive, T cell-negative, B cell-negative, NK cell-positive. Last evaluated: 2023-12-07. Review status: criteria provided, single submitter. Criteria: Invitae Variant Classification Sherloc (09022015). Collection method: clinical testing. Allele origin: germline.
Comment: This sequence change replaces arginine, which is basic and polar, with glycine, which is neutral and non-polar, at codon 489 of the RAG1 protein (p.Arg489Gly). This variant is not present in population databases (gnomAD no frequency). This variant has not been reported in the literature in individuals affected with RAG1-related conditions. Advanced modeling of protein sequence and biophysical properties (such as structural, functional, and spatial information, amino acid conservation, physicochemical variation, residue mobility, and thermodynamic stability) has been performed at Invitae for this missense variant, however the output from this modeling did not meet the statistical confidence thresholds required to predict the impact of this variant on RAG1 protein function. In summary, the available evidence is currently insufficient to determine the role of this variant in disease. Therefore, it has been classified as a Variant of Uncertain Significance.

NM_000448.3(RAG1):c.1465A>G (p.Arg489Gly)

Gene: RAG1 (recombination activating 1; plus strand). Cytogenetic location: 11p12.
Variant type: single nucleotide variant.
Coding change: c.1465A>G on transcript NM_000448.3 (MANE Select); coding-DNA position 1465, A replaced by G.
Protein change: p.Arg489Gly; replaces arginine 489 with glycine.
Molecular consequence: missense variant.
Genome position (GRCh38, 1-based): chr11:36,574,769, A>G. VCF-style: chr11-36574769-A-G. GRCh37 (hg19) VCF-style: chr11-36596319-A-G.
Other names: c.1465A>G, p.Arg489Gly (NM_001377277.1, NM_001377278.1, NM_001377279.1 and 1 more transcripts); short protein forms R489G.
Identifiers: ClinVar variation 2954406 (VCV002954406.3), dbSNP rs2494756265, ClinGen allele CA380152588.